The following is an entry in ClinVar:

NM_022336.4(EDAR):c.*895C>T

Genes: EDAR (ectodysplasin A receptor; minus strand), RANBP2 (RAN binding protein 2; plus strand). Cytogenetic location: 2q13.
Variant type: single nucleotide variant.
Coding change: c.*895C>T on transcript NM_022336.4 (MANE Select); 895 bases downstream of the stop codon, C replaced by T.
Molecular consequence: 3 prime UTR variant.
Genome position (GRCh38, 1-based): chr2:108,896,012, G>A on the plus strand (C>T on the coding strand, the complement: EDAR is on the minus strand). VCF-style: chr2-108896012-G-A. GRCh37 (hg19) VCF-style: chr2-109512468-G-A.
Identifiers: ClinVar variation 330698 (VCV000330698.6), dbSNP rs115259025, ClinGen allele CA10611762.

ClinVar aggregate classification (germline): Benign (1 of 4 stars; one submission).

Conditions:
Hypohidrotic ectodermal dysplasia (HED). Identifiers: Orphanet 238468, MedGen C5848103, MONDO:0016535, HP:0007607.

Allele frequency attached by ClinVar (database versions not stated): TOPMed 0.02263; gnomAD 0.02014 and 0.02162; 1000 Genomes Project 0.02296; 1000 Genomes Project 30x 0.02374.

Submission:

Illumina Laboratory Services, Illumina
Classification: Benign for Hypohidrotic ectodermal dysplasia. Last evaluated: 2018-01-13. Review status: criteria provided, single submitter. Criteria: ICSL Variant Classification Criteria 13 December 2019. Collection method: clinical testing. Allele origin: germline.
Comment: This variant was observed in the ICSL laboratory as part of a predisposition screen in an ostensibly healthy population. It had not been previously curated by ICSL or reported in the Human Gene Mutation Database (HGMD: prior to June 1st, 2018), and was therefore a candidate for classification through an automated scoring system. Utilizing variant allele frequency, disease prevalence and penetrance estimates, and inheritance mode, an automated score was calculated to assess if this variant is too frequent to cause the disease. Based on the score and internal cut-off values, a variant classified as benign is not then subjected to further curation. The score for this variant resulted in a classification of benign for this disease.